The following is an entry in ClinVar:

NM_003265.3(TLR3):c.464C>T (p.Ser155Phe)

Gene: TLR3 (toll like receptor 3; plus strand). Cytogenetic location: 4q35.1.
Variant type: single nucleotide variant.
Coding change: c.464C>T on transcript NM_003265.3 (MANE Select); coding-DNA position 464, C replaced by T.
Protein change: p.Ser155Phe; replaces serine 155 with phenylalanine.
Molecular consequence: missense variant.
Genome position (GRCh38, 1-based): chr4:186,078,862, C>T. VCF-style: chr4-186078862-C-T. GRCh37 (hg19) VCF-style: chr4-187000016-C-T.
Other names: short protein forms S155F.
Identifiers: ClinVar variation 4778405 (VCV004778405.1).

ClinVar aggregate classification (germline): Uncertain significance (1 of 4 stars; one submission).

Conditions:
Encephalopathy, acute, infection-induced (herpes-specific), susceptibility to, 1. Also called: Herpes simplex encephalitis, susceptibility to, 1. Identifiers: Orphanet 1930, MedGen C2750180, MONDO:0024563, OMIM 610551.

gnomAD v4.1: 3 of 1,613,942 alleles (0.00019%); highest among the groups gnomAD compares: African/African-American, 0.0013%; no homozygotes.

Submission:

Labcorp Genetics (formerly Invitae), Labcorp
Classification: Uncertain significance for Encephalopathy, acute, infection-induced (herpes-specific), susceptibility to, 1. Last evaluated: 2025-12-17. Review status: criteria provided, single submitter. Criteria: Invitae Variant Classification Sherloc (09022015). Collection method: clinical testing. Allele origin: germline.
Comment: This sequence change replaces serine, which is neutral and polar, with phenylalanine, which is neutral and non-polar, at codon 155 of the TLR3 protein (p.Ser155Phe). This variant is not present in population databases (gnomAD no frequency). This variant has not been reported in the literature in individuals affected with TLR3-related conditions. An algorithm developed to predict the effect of missense changes on protein structure and function (PolyPhen-2) suggests that this variant is likely to be disruptive. In summary, the available evidence is currently insufficient to determine the role of this variant in disease. Therefore, it has been classified as a Variant of Uncertain Significance.